The following is an entry in ClinVar:

ClinVar aggregate classification (germline): Pathogenic (1 of 4 stars; one submission).

Conditions:
Familial cancer of breast. Also called: Hereditary breast cancer; BREAST CANCER, FAMILIAL; hereditary breast carcinoma. Identifiers: Orphanet 227535, MedGen C0346153, MONDO:0016419, OMIM 114480. Disease mechanism: loss of function.

Submission:

Myriad Genetics, Inc.
Classification: Pathogenic for Familial cancer of breast. Last evaluated: 2023-05-30. Review status: criteria provided, single submitter. Criteria: Myriad Autosomal Dominant, Autosomal Recessive and X-Linked Classification Criteria (2023). Collection method: clinical testing. Allele origin: unknown.
Comment: This variant is considered pathogenic. This variant creates a frameshift predicted to result in premature protein truncation.

NM_032043.3(BRIP1):c.35_39del (p.Gly12fs)

Gene: BRIP1 (BRCA1 interacting DNA helicase 1; minus strand). Cytogenetic location: 17q23.2.
Variant type: Deletion.
Coding change: c.35_39del on transcript NM_032043.3 (MANE Select); coding-DNA positions 35 to 39, 5 bases deleted (GGGTG; older notation c.35_39delGGGTG).
Protein change: p.Gly12fs; shifts the reading frame from glycine 12.
Molecular consequence: frameshift variant.
Genome position (GRCh38, 1-based): chr17:61,861,501-61,861,505, CACCC deleted on the plus strand (GGGTG on the coding strand, the reverse complement: BRIP1 is on the minus strand); deleting any 5 consecutive bases within chr17:61,861,501-61,861,509 gives the same sequence; the c. name uses the placement nearest the transcript's 3' end. VCF-style (leftmost placement, unchanged base first): chr17-61861500-TCACCC-T. GRCh37 (hg19) VCF-style: chr17-59938861-TCACCC-T.
Other names: short protein forms G12fs.
Identifiers: ClinVar variation 2583622 (VCV002583622.2), dbSNP rs2545480859, ClinGen allele CA2582342265.